The following is an entry in ClinVar:

NM_000492.4(CFTR):c.1210-11_1210-9delinsG

Genes: CFTR (CF transmembrane conductance regulator; plus strand), CFTR-AS1 (CFTR antisense RNA 1; minus strand). Cytogenetic location: 7q31.2.
Variant type: Indel.
Coding change: c.1210-11_1210-9delinsG on transcript NM_000492.4 (MANE Select); 11 bases into the intron before coding-DNA position 1210 through 9 bases into the intron before coding-DNA position 1210, TTT replaced by G.
Molecular consequence: intron variant.
Genome position (GRCh38, 1-based): chr7:117,548,630-117,548,632, TTT replaced by G. VCF-style: chr7-117548630-TTT-G. GRCh37 (hg19) VCF-style: chr7-117188684-TTT-G.
Identifiers: ClinVar variation 1674670 (VCV001674670.5), dbSNP rs2115902456, ClinGen allele CA2573141579.

ClinVar aggregate classification (germline): Conflicting classifications of pathogenicity. Review status: criteria provided, conflicting classifications (1 of 4 stars). 2 submissions from 2 submitters: Pathogenic (1); Likely benign (1). Last evaluated 2021-02-24.

Conditions:
Cystic fibrosis (CF). Also called: MUCOVISCIDOSIS. Identifiers: Orphanet 586, MedGen C0010674, MONDO:0009061, OMIM 219700. Disease mechanism: loss of function.

Submissions (2):

Labcorp Genetics (formerly Invitae), Labcorp
Classification: Likely benign for Cystic fibrosis. Last evaluated: 2021-02-24. Review status: criteria provided, single submitter. Criteria: Invitae Variant Classification Sherloc (09022015). Collection method: clinical testing. Allele origin: germline.

Ambry Genetics
Classification: Pathogenic for Cystic fibrosis. Last evaluated: 2017-01-18. Review status: criteria provided, single submitter. Criteria: Ambry Variant Classification Scheme 2023. Collection method: clinical testing. Allele origin: germline.
Comment: The 3T variant is an alteration located in the intron 9 poly-thymidine tract of the CFTR gene. Typically the poly-T tract consists of 5, 7, or 9 thymidine repeats. The efficiency of exon 10 splicing consistently decreases with shorter poly-T tracts, resulting in a lower than normal level of fulllength CFTR protein. The effect of poly-T on exon 10 splicing is also influenced by the adjacent TG tract, usually 11, 12, or 13 TG repeats, with a higher TG number being associated with reduced splicing efficiency resulting in more CFTR mRNA transcripts lacking exon 10 (Sosnay et al. Pediatr Clin North Am 2016;63(4):585-98). Functional studies involving minigene assays and transfection of different cell lines show that the 3T variant decreases the level of correctly spliced CFTR mRNA, and thus the level of functional CFTR protein (Buratti et al. EMBO J 2001;20(7):1774-84; Disset et al. Hum Mutat 2005;25(1):72-81).

Literature cited by the submitters: PubMed 15580565 (cited by Ambry Genetics).